The following is an entry in ClinVar:

NM_000455.5(STK11):c.375-5C>A

Gene: STK11 (serine/threonine kinase 11; plus strand). Cytogenetic location: 19p13.3.
Variant type: single nucleotide variant.
Coding change: c.375-5C>A on transcript NM_000455.5 (MANE Select); 5 bases into the intron before coding-DNA position 375, C replaced by A.
Molecular consequence: intron variant.
Genome position (GRCh38, 1-based): chr19:1,219,319, C>A. VCF-style: chr19-1219319-C-A. GRCh37 (hg19) VCF-style: chr19-1219318-C-A.
Identifiers: ClinVar variation 412552 (VCV000412552.12), dbSNP rs1057517626, ClinGen allele CA16616010.

ClinVar aggregate classification (germline): Conflicting classifications of pathogenicity. Review status: criteria provided, conflicting classifications (1 of 4 stars). 3 submissions from 3 submitters: Uncertain significance (1); Likely benign (2). Last evaluated 2025-12-29.

Conditions:
Hereditary cancer-predisposing syndrome. Also called: Hereditary neoplastic syndrome; Neoplastic Syndromes, Hereditary; Tumor predisposition; Hereditary Cancer Syndrome. Identifiers: Orphanet 140162, MedGen C0027672, MeSH D009386, MONDO:0015356.
Peutz-Jeghers syndrome (PJS). Also called: POLYPOSIS, HAMARTOMATOUS INTESTINAL; POLYPS-AND-SPOTS SYNDROME; Peutz-Jeghers polyposis; Periorificial lentiginosis syndrome. Identifiers: Orphanet 2869, MedGen C0031269, MeSH D010580, MONDO:0008280, OMIM 175200.

Submissions (3):

Labcorp Genetics (formerly Invitae), Labcorp
Classification: Likely benign for Peutz-Jeghers syndrome. Last evaluated: 2025-12-29. Review status: criteria provided, single submitter. Criteria: Invitae Variant Classification Sherloc (09022015). Collection method: clinical testing. Allele origin: germline.

Color Diagnostics, LLC DBA Color Health
Classification: Likely benign for Hereditary cancer-predisposing syndrome. Last evaluated: 2025-07-18. Review status: criteria provided, single submitter. Criteria: ACMG Guidelines, 2015. Collection method: clinical testing. Allele origin: germline.

Ambry Genetics
Classification: Uncertain significance for Hereditary cancer-predisposing syndrome. Last evaluated: 2025-05-27. Review status: criteria provided, single submitter. Criteria: Ambry Variant Classification Scheme 2023. Collection method: clinical testing. Allele origin: germline.
Comment: The c.375-5C>A intronic variant results from a C to A substitution 5 nucleotides upstream from coding exon 3 in the STK11 gene. This nucleotide position is not well conserved in available vertebrate species. In silico splice site analysis predicts that this alteration will not have any significant effect on splicing. Based on the available evidence, the clinical significance of this variant remains unclear.